The following is an entry in ClinVar:

ClinVar aggregate classification (germline): Uncertain significance (1 of 4 stars; one submission).

Conditions:
Hereditary cancer-predisposing syndrome. Also called: Tumor predisposition; Neoplastic Syndromes, Hereditary; Hereditary neoplastic syndrome; Hereditary Cancer Syndrome. Identifiers: Orphanet 140162, MedGen C0027672, MeSH D009386, MONDO:0015356.

gnomAD v4.1: 1 of 1,614,188 alleles (0.000062%); highest among the groups gnomAD compares: Non-Finnish European, 0.000085%; no homozygotes.

Submission:

Ambry Genetics
Classification: Uncertain significance for Hereditary cancer-predisposing syndrome. Last evaluated: 2024-10-04. Review status: criteria provided, single submitter. Criteria: Ambry Variant Classification Scheme 2023. Collection method: clinical testing. Allele origin: germline.
Comment: The p.S143G variant (also known as c.427A>G), located in coding exon 1 of the AXIN2 gene, results from an A to G substitution at nucleotide position 427. The serine at codon 143 is replaced by glycine, an amino acid with similar properties. This amino acid position is conserved. In addition, this alteration is predicted to be tolerated by in silico analysis. Based on the available evidence, the clinical significance of this variant remains unclear.

NM_004655.4(AXIN2):c.427A>G (p.Ser143Gly)

Gene: AXIN2 (axin 2; minus strand). Cytogenetic location: 17q24.1.
Variant type: single nucleotide variant.
Coding change: c.427A>G on transcript NM_004655.4 (MANE Select); coding-DNA position 427, A replaced by G.
Protein change: p.Ser143Gly; replaces serine 143 with glycine.
Molecular consequence: missense variant.
Genome position (GRCh38, 1-based): chr17:65,558,194, T>C on the plus strand (A>G on the coding strand, the complement: AXIN2 is on the minus strand). VCF-style: chr17-65558194-T-C. GRCh37 (hg19) VCF-style: chr17-63554312-T-C.
Other names: c.427A>G, p.Ser143Gly (NM_001363813.1); short protein forms S143G.
Identifiers: ClinVar variation 3470528 (VCV003470528.1).
Genomic context (GRCh38, chr17:65,558,194, plus strand): 5'-TCTTGATGCCATCTCTTATGTAGGTCTTGGTGGCAGGCTTCAGCTGCTTGGAGACAATGC[T>C]GTTGTTCTCAATGTACCTTTTGTAGATCGCTTTGGCTACTCGTAAAGTTTTGGTATCCTT-3'
Protein context (NP_004646.3, residues 133-153): AIYKRYIENN[Ser143Gly]IVSKQLKPAT